The following is an entry in ClinVar:

NM_000135.4(FANCA):c.597-1G>C

Gene: FANCA (FA complementation group A; minus strand). Cytogenetic location: 16q24.3.
Variant type: single nucleotide variant.
Coding change: c.597-1G>C on transcript NM_000135.4 (MANE Select); the canonical splice acceptor site of the intron before coding-DNA position 597, G replaced by C.
Molecular consequence: splice acceptor variant.
Genome position (GRCh38, 1-based): chr16:89,805,393, C>G on the plus strand (G>C on the coding strand, the complement: FANCA is on the minus strand). VCF-style: chr16-89805393-C-G. GRCh37 (hg19) VCF-style: chr16-89871801-C-G.
Other names: c.597-1G>C (NM_001286167.3, NM_001018112.3); c.501-1G>C (NM_001351830.2).
Identifiers: ClinVar variation 554764 (VCV000554764.17), dbSNP rs147945881, ClinGen allele CA8252884.

ClinVar aggregate classification (germline): Pathogenic. Review status: criteria provided, multiple submitters, no conflicts (2 of 4 stars). 5 submissions from 5 submitters: Pathogenic (2). 3 of the submissions do not count toward it. Last evaluated 2024-02-24.

Conditions:
Fanconi anemia complementation group A (FANCA). Also called: FANCA-Related Fanconi Anemia; Fanconi anemia, group A. Identifiers: Orphanet 84, MedGen C3469521, MONDO:0009215, OMIM 227650.
Fanconi anemia (FA). Also called: Fanconi's anemia. Identifiers: Orphanet 84, MedGen C0015625, MeSH D005199, MONDO:0019391.

Allele frequency attached by ClinVar (database versions not stated): gnomAD exomes below 0.00001; ExAC 0.00001; gnomAD 0.00001; TOPMed 0.00001; ESP Exome Variant Server 0.00008.
gnomAD v4.1: 6 of 1,610,636 alleles (0.00037%); highest among the groups gnomAD compares: Non-Finnish European, 0.00051%; no homozygotes.

Submissions (5):

Labcorp Genetics (formerly Invitae), Labcorp
Classification: Pathogenic for Fanconi anemia. Last evaluated: 2024-02-24. Review status: criteria provided, single submitter. Criteria: Invitae Variant Classification Sherloc (09022015). Collection method: clinical testing. Allele origin: germline.
Comment: This sequence change affects an acceptor splice site in intron 6 of the FANCA gene. It is expected to disrupt RNA splicing. Variants that disrupt the donor or acceptor splice site typically lead to a loss of protein function (PMID: 16199547), and loss-of-function variants in FANCA are known to be pathogenic (PMID: 19367192). This variant is not present in population databases (gnomAD no frequency). Disruption of this splice site has been observed in individuals with Fanconi Anemia (PMID: 29098742). ClinVar contains an entry for this variant (Variation ID: 554764). Algorithms developed to predict the effect of sequence changes on RNA splicing suggest that this variant may disrupt the consensus splice site. For these reasons, this variant has been classified as Pathogenic.

Baylor Genetics
Classification: Pathogenic for Fanconi anemia complementation group A. Last evaluated: 2023-12-19. Review status: criteria provided, single submitter. Criteria: ACMG Guidelines, 2015. Collection method: clinical testing. Allele origin: unknown.

Leiden Open Variation Database
Classification: Pathogenic for Fanconi anemia complementation group A. Last evaluated: 2020-02-28. Review status: no assertion criteria provided. Collection method: curation. Allele origin: germline. Affected: yes. Not counted in ClinVar's aggregate classification.
Comment: Curator: Arleen D. Auerbach. Submitter to LOVD: Sue Richards.

Natera, Inc.
Classification: Pathogenic for Fanconi anemia. Last evaluated: 2020-02-22. Review status: no assertion criteria provided. Collection method: clinical testing. Allele origin: germline. Not counted in ClinVar's aggregate classification.

Counsyl
Classification: Likely pathogenic for Fanconi anemia complementation group A. Last evaluated: 2017-11-02. Review status: no assertion criteria provided. Collection method: clinical testing. Allele origin: unknown. Not counted in ClinVar's aggregate classification.

Literature cited by the submitters: PubMed 16199547 (cited by Labcorp Genetics (formerly Invitae), Labcorp); PubMed 19367192 (cited by Labcorp Genetics (formerly Invitae), Labcorp); PubMed 29098742 (cited by Labcorp Genetics (formerly Invitae), Labcorp).